The following is an entry in ClinVar:

NM_000059.4(BRCA2):c.8953+1del

Gene: BRCA2 (BRCA2 DNA repair associated; plus strand). Cytogenetic location: 13q13.1.
Variant type: Deletion.
Coding change: c.8953+1del on transcript NM_000059.4 (MANE Select); the canonical splice donor site of the intron after coding-DNA position 8953, one base deleted (G; older notation c.8953+1delG).
Molecular consequence: splice donor variant.
Genome position (GRCh38, 1-based): chr13:32,379,516, G deleted; the last of 2 consecutive G bases (chr13:32,379,515-32,379,516); deleting either gives the same sequence. VCF-style (leftmost placement, unchanged base first): chr13-32379514-AG-A. GRCh37 (hg19) VCF-style: chr13-32953651-AG-A.
Other names: c.8953+1delG (NM_000059.3); c.8953+1del (NM_001406720.1); c.8857+1del (NM_001406719.1); c.4021+1del (NM_001406721.1); c.2536+1del (NM_001406722.1).
Identifiers: ClinVar variation 182324 (VCV000182324.4), dbSNP rs730881617, ClinGen allele CA025888.
Genomic context (GRCh38, chr13:32,379,514, plus strand): 5'-GGATGTCACAACCGTGTGGAAGTTGCGTATTGTAAGCTATTCAAAAAAAGAAAAAGATTC[AG>A]GTAAGTATGTAAATGCTTTGTTTTTATCAGTTTTATTAACTTAAAAAATGACCTTACTAA-3'

ClinVar aggregate classification (germline): Pathogenic/Likely pathogenic. Review status: criteria provided, multiple submitters, no conflicts (2 of 4 stars). 2 submissions from 2 submitters: Pathogenic (1); Likely pathogenic (1). Last evaluated 2022-12-06.

Conditions:
Hereditary cancer-predisposing syndrome. Also called: Tumor predisposition; Hereditary Cancer Syndrome; Hereditary neoplastic syndrome; Neoplastic Syndromes, Hereditary. Identifiers: Orphanet 140162, MedGen C0027672, MeSH D009386, MONDO:0015356.

Submissions (2):

Ambry Genetics
Classification: Likely pathogenic for Hereditary cancer-predisposing syndrome. Last evaluated: 2022-12-06. Review status: criteria provided, single submitter. Criteria: Ambry Variant Classification Scheme 2023. Collection method: clinical testing. Allele origin: germline.
Comment: The c.8953+1delG intronic variant, located in intron 21 of the BRCA2 gene, results from a deletion of one nucleotide within intron 21 of the BRCA2 gene. This variant is considered to be rare based on population cohorts in the Genome Aggregation Database (gnomAD). This nucleotide position is highly conserved in available vertebrate species. In silico splice site analysis predicts that this alteration will weaken the native splice donor site and will result in the creation or strengthening of a novel splice donor site. Alterations that disrupt the canonical splice site are expected to cause aberrant splicing, resulting in an abnormal protein or a transcript that is subject to nonsense-mediated mRNA decay. As such, this alteration is classified as likely pathogenic.

GeneDx
Classification: Pathogenic. Last evaluated: 2014-05-15. Review status: criteria provided, single submitter. Criteria: GeneDx Variant Classification (06012015). Collection method: clinical testing. Allele origin: germline. Affected: yes.
Comment: This deletion of one nucleotide is denoted BRCA2 c.8953+1delG or IVS22+1delG and consists of a deletion of a nucleotide at the +1 position in intron 22 of the BRCA2 gene. The normal sequence, with the base that is deleted in braces is TCAG[g]taag, where the capital letters are exonic and the lowercase letters are intronic. The variant destroys a canonical splice donor site and is predicted to cause abnormal gene splicing, leading to either an abnormal message that is subject to nonsense-mediated mRNA decay or to an abnormal protein product. This variant has not, to our knowledge, been published in the literature. Based on the currently available information, we consider BRCA2 c.8953+1delG to be a pathogenic variant.